The following is an entry in ClinVar:

NM_003183.6(ADAM17):c.958-25_958-13del

Gene: ADAM17 (ADAM metallopeptidase domain 17; minus strand). Cytogenetic location: 2p25.1.
Variant type: Deletion.
Coding change: c.958-25_958-13del on transcript NM_003183.6 (MANE Select); 25 bases into the intron before coding-DNA position 958 through 13 bases into the intron before coding-DNA position 958, 13 bases deleted (TTTTTTTTTTTTT).
Molecular consequence: intron variant.
Genome position (GRCh38, 1-based): chr2:9,518,260-9,518,272, AAAAAAAAAAAAA deleted on the plus strand (TTTTTTTTTTTTT on the coding strand, the reverse complement: ADAM17 is on the minus strand); deleting any 13 consecutive bases within chr2:9,518,260-9,518,281 gives the same sequence; the c. name uses the placement nearest the transcript's 3' end. VCF-style (leftmost placement, unchanged base first): chr2-9518259-CAAAAAAAAAAAAA-C. GRCh37 (hg19) VCF-style: chr2-9658388-CAAAAAAAAAAAAA-C.
Other names: c.958-25_958-13del13 (NM_003183.6); c.298-25_298-13del (NM_001382777.1); c.61-25_61-13del (NM_001382778.1).
Identifiers: ClinVar variation 1140582 (VCV001140582.10), dbSNP rs34863481, ClinGen allele CA1523616.

ClinVar aggregate classification (germline): Benign/Likely benign. Review status: criteria provided, multiple submitters, no conflicts (2 of 4 stars). 2 submissions from 2 submitters: Benign (1); Likely benign (1). Last evaluated 2026-01-28.

Conditions:
Inflammatory skin and bowel disease, neonatal, 1. Identifiers: Orphanet 294023, MedGen C3280501, MONDO:0013693, OMIM 614328.

Submissions (2):

Labcorp Genetics (formerly Invitae), Labcorp
Classification: Likely benign for Inflammatory skin and bowel disease, neonatal, 1. Last evaluated: 2026-01-28. Review status: criteria provided, single submitter. Criteria: Invitae Variant Classification Sherloc (09022015). Collection method: clinical testing. Allele origin: germline.

Women's Health and Genetics/Laboratory Corporation of America, LabCorp
Classification: Benign. Last evaluated: 2026-01-22. Review status: criteria provided, single submitter. Criteria: LabCorp Variant Classification Summary - May 2015. Collection method: clinical testing. Allele origin: germline.
Comment: Variant summary: ADAM17 c.958-25_958-13del13 alters a nucleotide located at a position not widely known to affect splicing. Several computational tools predict a significant impact on normal splicing: Two predict the variant creates a 5' donor site. Four predict the variant creates a 3' acceptor site. However, these predictions have yet to be confirmed by functional studies. The variant allele was found at a frequency of 0.039 in 11888 control chromosomes in the gnomAD database, including 11 homozygotes. The observed variant frequency exceeds the estimated maximal expected allele frequency for disease-causing variants in ADAM17. To our knowledge, no occurrence of c.958-25_958-13del13 in individuals affected with ADAM17-related conditions and no experimental evidence demonstrating its impact on protein function have been reported. ClinVar contains an entry for this variant (Variation ID: 1140582). Based on the evidence outlined above, the variant was classified as benign.